The following is an entry in ClinVar:

ClinVar aggregate classification (germline): Uncertain significance (1 of 4 stars; one submission).

gnomAD v4.1: 13 of 1,609,286 alleles (0.00081%); highest among the groups gnomAD compares: African/African-American, 0.0093%; no homozygotes.

Submission:

Labcorp Genetics (formerly Invitae), Labcorp
Classification: Uncertain significance. Last evaluated: 2025-04-12. Review status: criteria provided, single submitter. Criteria: Invitae Variant Classification Sherloc (09022015). Collection method: clinical testing. Allele origin: germline.
Comment: This sequence change replaces arginine, which is basic and polar, with histidine, which is basic and polar, at codon 76 of the PYROXD1 protein (p.Arg76His). This variant is present in population databases (rs766064850, gnomAD 0.007%). This variant has not been reported in the literature in individuals affected with PYROXD1-related conditions. Invitae Evidence Modeling of protein sequence and biophysical properties (such as structural, functional, and spatial information, amino acid conservation, physicochemical variation, residue mobility, and thermodynamic stability) indicates that this missense variant is not expected to disrupt PYROXD1 protein function with a negative predictive value of 80%. In summary, the available evidence is currently insufficient to determine the role of this variant in disease. Therefore, it has been classified as a Variant of Uncertain Significance.

NM_024854.5(PYROXD1):c.227G>A (p.Arg76His)

Gene: PYROXD1 (pyridine nucleotide-disulphide oxidoreductase domain 1; plus strand). Cytogenetic location: 12p12.1.
Variant type: single nucleotide variant.
Coding change: c.227G>A on transcript NM_024854.5 (MANE Select); coding-DNA position 227, G replaced by A.
Protein change: p.Arg76His; replaces arginine 76 with histidine.
Molecular consequence: missense variant. On other transcripts: 5 prime UTR variant (1).
Genome position (GRCh38, 1-based): chr12:21,445,408, G>A. VCF-style: chr12-21445408-G-A. GRCh37 (hg19) VCF-style: chr12-21598342-G-A.
Other names: c.14G>A, p.Arg5His (NM_001350912.2); c.-477G>A (NM_001350913.2); short protein forms R5H, R76H.
Identifiers: ClinVar variation 4752132 (VCV004752132.1).